The following is an entry in ClinVar:

ClinVar aggregate classification (germline): Uncertain significance. Review status: criteria provided, multiple submitters, no conflicts (2 of 4 stars). 6 submissions from 6 submitters: Uncertain significance (6). Last evaluated 2022-12-19.

Conditions:
Aminoacylase 1 deficiency. Also called: Neurological conditions associated with aminoacylase 1 deficiency. Identifiers: Orphanet 137754, MedGen C1835922, MONDO:0012368, OMIM 609924.
Inborn genetic diseases. Identifiers: MedGen C0950123, MeSH D030342.

Allele frequency attached by ClinVar (database versions not stated): gnomAD exomes 0.00019 and 0.00031; ExAC 0.00021; TOPMed 0.00031; gnomAD 0.00032; ESP Exome Variant Server 0.00038.

Submissions (6):

GeneDx
Classification: Uncertain significance. Last evaluated: 2022-12-19. Review status: criteria provided, single submitter. Criteria: GeneDx Variant Classification Process June 2021. Collection method: clinical testing. Allele origin: germline. Affected: yes.
Comment: In silico analysis supports that this missense variant has a deleterious effect on protein structure/function; Has not been previously published as pathogenic or benign to our knowledge

Fulgent Genetics
Classification: Uncertain significance for Aminoacylase 1 deficiency. Last evaluated: 2022-03-10. Review status: criteria provided, single submitter. Criteria: ACMG Guidelines, 2015. Collection method: clinical testing. Allele origin: unknown.

Labcorp Genetics (formerly Invitae), Labcorp
Classification: Uncertain significance. Last evaluated: 2021-08-26. Review status: criteria provided, single submitter. Criteria: Invitae Variant Classification Sherloc (09022015). Collection method: clinical testing. Allele origin: germline.
Comment: This sequence change replaces arginine with cysteine at codon 209 of the ACY1 protein (p.Arg209Cys). The arginine residue is moderately conserved and there is a large physicochemical difference between arginine and cysteine. This variant is present in population databases (rs140738368, ExAC 0.03%). This variant has not been reported in the literature in individuals affected with ACY1-related conditions. ClinVar contains an entry for this variant (Variation ID: 374658). Algorithms developed to predict the effect of missense changes on protein structure and function output the following: SIFT: "Deleterious"; PolyPhen-2: "Benign"; Align-GVGD: "Class C15". The cysteine amino acid residue is found in multiple mammalian species, which suggests that this missense change does not adversely affect protein function. In summary, the available evidence is currently insufficient to determine the role of this variant in disease. Therefore, it has been classified as a Variant of Uncertain Significance.

Ambry Genetics
Classification: Uncertain significance for Inborn genetic diseases. Last evaluated: 2021-06-19. Review status: criteria provided, single submitter. Criteria: Ambry Variant Classification Scheme 2023. Collection method: clinical testing. Allele origin: germline.

CeGaT Center for Human Genetics Tuebingen
Classification: Uncertain significance. Last evaluated: 2016-07-01. Review status: criteria provided, single submitter. Criteria: CeGaT Center For Human Genetics Tuebingen Variant Classification Criteria Version 2. Collection method: clinical testing. Allele origin: germline. Affected: yes. Observed: 1 variant allele.

Breakthrough Genomics
Classification: Uncertain significance. Review status: criteria provided, single submitter. Criteria: ACMG Guidelines, 2015. Collection method: not provided. Allele origin: germline. Inheritance: Autosomal recessive inheritance. Affected: yes.

NM_000666.3(ACY1):c.625C>T (p.Arg209Cys)

Genes: ABHD14A-ACY1 (ABHD14A-ACY1 readthrough; plus strand), ACY1 (aminoacylase 1; plus strand). Cytogenetic location: 3p21.2.
Variant type: single nucleotide variant.
Coding change: c.625C>T on transcript NM_000666.3 (MANE Select); coding-DNA position 625, C replaced by T.
Protein change: p.Arg209Cys; replaces arginine 209 with cysteine.
Molecular consequence: missense variant.
Genome position (GRCh38, 1-based): chr3:51,987,029, C>T. VCF-style: chr3-51987029-C-T. GRCh37 (hg19) VCF-style: chr3-52021045-C-T.
Other names: c.625C>T (NM_000666.2); c.895C>T, p.Arg299Cys (NM_001316331.2); c.625C>T, p.Arg209Cys (NM_001198895.2, NM_001198897.2); c.409C>T, p.Arg137Cys (NM_001198896.2); c.520C>T, p.Arg174Cys (NM_001198898.2); short protein forms R209C, R299C, R137C, R174C.
Identifiers: ClinVar variation 374658 (VCV000374658.50), dbSNP rs140738368, ClinGen allele CA2428571.